The following is an entry in ClinVar:

ClinVar aggregate classification (germline): Uncertain significance (1 of 4 stars; one submission).

Conditions:
Hereditary cancer-predisposing syndrome. Also called: Tumor predisposition; Hereditary Cancer Syndrome; Hereditary neoplastic syndrome; Neoplastic Syndromes, Hereditary. Identifiers: Orphanet 140162, MedGen C0027672, MeSH D009386, MONDO:0015356.

Allele frequency attached by ClinVar (database versions not stated): gnomAD exomes below 0.00001; ExAC 0.00001.
gnomAD v4.1: 1 of 1,614,148 alleles (0.000062%); highest among the groups gnomAD compares: South Asian, 0.0011%; no homozygotes.

Submission:

Ambry Genetics
Classification: Uncertain significance for Hereditary cancer-predisposing syndrome. Last evaluated: 2023-08-25. Review status: criteria provided, single submitter. Criteria: Ambry Variant Classification Scheme 2023. Collection method: clinical testing. Allele origin: germline.
Comment: The p.V835A variant (also known as c.2504T>C), located in coding exon 16 of the ATM gene, results from a T to C substitution at nucleotide position 2504. The valine at codon 835 is replaced by alanine, an amino acid with similar properties. This amino acid position is conserved. In addition, this alteration is predicted to be tolerated by in silico analysis. Since supporting evidence is limited at this time, the clinical significance of this alteration remains unclear.

NM_000051.4(ATM):c.2504T>C (p.Val835Ala)

Gene: ATM (ATM serine/threonine kinase; plus strand). Cytogenetic location: 11q22.3.
Variant type: single nucleotide variant.
Coding change: c.2504T>C on transcript NM_000051.4 (MANE Select); coding-DNA position 2504, T replaced by C.
Protein change: p.Val835Ala; replaces valine 835 with alanine.
Molecular consequence: missense variant.
Genome position (GRCh38, 1-based): chr11:108,267,208, T>C. VCF-style: chr11-108267208-T-C. GRCh37 (hg19) VCF-style: chr11-108137935-T-C.
Other names: c.2504T>C, p.Val835Ala (NM_001351834.2); short protein forms V835A.
Identifiers: ClinVar variation 2587809 (VCV002587809.2), dbSNP rs765118015, ClinGen allele CA6265053.